The following is an entry in ClinVar:

ClinVar aggregate classification (germline): Uncertain significance (1 of 4 stars; one submission).

gnomAD v4.1: 8 of 1,573,216 alleles (0.00051%); no homozygotes.

Submission:

GeneDx
Classification: Uncertain significance. Last evaluated: 2024-07-06. Review status: criteria provided, single submitter. Criteria: GeneDx Variant Classification Process June 2021. Collection method: clinical testing. Allele origin: germline. Affected: yes.
Comment: Not observed at significant frequency in large population cohorts (gnomAD); In silico analysis indicates that this missense variant does not alter protein structure/function; Has not been previously published as pathogenic or benign to our knowledge

NM_004667.6(HERC2):c.6835A>G (p.Met2279Val)

Gene: HERC2 (HECT and RLD domain containing E3 ubiquitin protein ligase 2; minus strand). Cytogenetic location: 15q13.1.
Variant type: single nucleotide variant.
Coding change: c.6835A>G on transcript NM_004667.6 (MANE Select); coding-DNA position 6835, A replaced by G.
Protein change: p.Met2279Val; replaces methionine 2279 with valine.
Molecular consequence: missense variant.
Genome position (GRCh38, 1-based): chr15:28,212,535, T>C on the plus strand (A>G on the coding strand, the complement: HERC2 is on the minus strand). VCF-style: chr15-28212535-T-C. GRCh37 (hg19) VCF-style: chr15-28457681-T-C.
Other names: short protein forms M2279V.
Identifiers: ClinVar variation 3393755 (VCV003393755.1).